The following is an entry in ClinVar:

NM_001348768.2(HECW2):c.3566A>G (p.Tyr1189Cys)

Gene: HECW2 (HECT, C2 and WW domain containing E3 ubiquitin protein ligase 2; minus strand). Cytogenetic location: 2q32.3.
Variant type: single nucleotide variant.
Coding change: c.3566A>G on transcript NM_001348768.2 (MANE Select); coding-DNA position 3566, A replaced by G.
Protein change: p.Tyr1189Cys; replaces tyrosine 1189 with cysteine.
Molecular consequence: missense variant.
Genome position (GRCh38, 1-based): chr2:196,242,168, T>C on the plus strand (A>G on the coding strand, the complement: HECW2 is on the minus strand). VCF-style: chr2-196242168-T-C. GRCh37 (hg19) VCF-style: chr2-197106892-T-C.
Other names: c.2498A>G, p.Tyr833Cys (NM_001304840.3); c.3566A>G, p.Tyr1189Cys (NM_020760.4); short protein forms Y1189C, Y833C.
Identifiers: ClinVar variation 3777681 (VCV003777681.1).

ClinVar aggregate classification (germline): Uncertain significance (1 of 4 stars; one submission).

Submission:

GeneDx
Classification: Uncertain significance. Last evaluated: 2024-10-12. Review status: criteria provided, single submitter. Criteria: GeneDx Variant Classification Process June 2021. Collection method: clinical testing. Allele origin: germline. Affected: yes.
Comment: Not observed at significant frequency in large population cohorts (gnomAD); In silico analysis supports that this missense variant has a deleterious effect on protein structure/function; Has not been previously published as pathogenic or benign to our knowledge